The following is an entry in ClinVar:

NM_006329.4(FBLN5):c.590C>T (p.Thr197Ile)

Gene: FBLN5 (fibulin 5; minus strand). Cytogenetic location: 14q32.12.
Variant type: single nucleotide variant.
Coding change: c.590C>T on transcript NM_006329.4 (MANE Select); coding-DNA position 590, C replaced by T.
Protein change: p.Thr197Ile; replaces threonine 197 with isoleucine.
Molecular consequence: missense variant.
Genome position (GRCh38, 1-based): chr14:91,891,250, G>A on the plus strand (C>T on the coding strand, the complement: FBLN5 is on the minus strand). VCF-style: chr14-91891250-G-A. GRCh37 (hg19) VCF-style: chr14-92357594-G-A.
Other names: c.713C>T, p.Thr238Ile (NM_001384158.1); c.641C>T, p.Thr214Ile (NM_001384159.1); c.422C>T, p.Thr141Ile (NM_001384161.1, NM_001384162.1); c.590C>T, p.Thr197Ile (NM_001384160.1); short protein forms T141I, T214I, T238I, T197I.
Identifiers: ClinVar variation 2962805 (VCV002962805.3), dbSNP rs752012733, ClinGen allele CA7312797.
Genomic context (GRCh38, chr14:91,891,250, plus strand): 5'-TCATGTCCAAGTTATCATGCACGTCACATACCTTGGCAAGACCTTCCATCCTCATTGAGG[G>A]TAAAACCAGGGTTGCATGTACAAGAATAGGATCCAGGAACATTCGCACAGAGCTGCTGGC-3'
Protein context (NP_006320.2, residues 187-207): SYSCTCNPGF[Thr197Ile]LNEDGRSCQD

ClinVar aggregate classification (germline): Uncertain significance (1 of 4 stars; one submission).

Allele frequency attached by ClinVar (database versions not stated): gnomAD exomes below 0.00001; ExAC 0.00001; gnomAD 0.00001; TOPMed 0.00002.
gnomAD v4.1: 5 of 1,612,376 alleles (0.00031%); highest among the groups gnomAD compares: African/African-American, 0.0053%; no homozygotes.

Submission:

Labcorp Genetics (formerly Invitae), Labcorp
Classification: Uncertain significance. Last evaluated: 2023-07-07. Review status: criteria provided, single submitter. Criteria: Invitae Variant Classification Sherloc (09022015). Collection method: clinical testing. Allele origin: germline.
Comment: This variant is present in population databases (rs752012733, gnomAD 0.007%). This sequence change replaces threonine, which is neutral and polar, with isoleucine, which is neutral and non-polar, at codon 197 of the FBLN5 protein (p.Thr197Ile). In summary, the available evidence is currently insufficient to determine the role of this variant in disease. Therefore, it has been classified as a Variant of Uncertain Significance. Advanced modeling of protein sequence and biophysical properties (such as structural, functional, and spatial information, amino acid conservation, physicochemical variation, residue mobility, and thermodynamic stability) performed at Invitae indicates that this missense variant is not expected to disrupt FBLN5 protein function. This variant has not been reported in the literature in individuals affected with FBLN5-related conditions.